The following is an entry in ClinVar:

NM_000329.3(RPE65):c.257C>A (p.Thr86Asn)

Gene: RPE65 (retinoid isomerohydrolase RPE65; minus strand). Cytogenetic location: 1p31.3.
Variant type: single nucleotide variant.
Coding change: c.257C>A on transcript NM_000329.3 (MANE Select); coding-DNA position 257, C replaced by A.
Protein change: p.Thr86Asn; replaces threonine 86 with asparagine.
Molecular consequence: missense variant.
Genome position (GRCh38, 1-based): chr1:68,444,872, G>T on the plus strand (C>A on the coding strand, the complement: RPE65 is on the minus strand). VCF-style: chr1-68444872-G-T. GRCh37 (hg19) VCF-style: chr1-68910555-G-T.
Other names: NM_000329.3(RPE65):c.257C>A; p.Thr86Asn; short protein forms T86N.
Identifiers: ClinVar variation 1026379 (VCV001026379.9), dbSNP rs1645931073, ClinGen allele CA340748547.

ClinVar aggregate classification (germline): Uncertain significance. Review status: reviewed by expert panel (3 of 4 stars). 3 submissions from 3 submitters: Uncertain significance (1). 2 of the submissions do not count toward it. Last evaluated 2026-08-20.

Conditions:
Retinitis pigmentosa 20 (RP20). Identifiers: Orphanet 791, MedGen C3151086, MONDO:0013425, OMIM 613794.
Leber congenital amaurosis 2 (LCA2). Also called: AMAUROSIS CONGENITA OF LEBER II; Autosomal Recessive RPE65-Related Retinal Degeneration. Identifiers: Orphanet 65, MedGen C1859844, MONDO:0008765, OMIM 204100. Disease mechanism: loss of function.
RPE65-related recessive retinopathy. Also called: Recessive RPE65 retinopathy. Identifiers: MedGen CN305526, MONDO:0100368.

Allele frequency attached by ClinVar (database versions not stated): gnomAD exomes below 0.00001.
gnomAD v4.1: 3 of 1,614,074 alleles (0.00019%); highest among the groups gnomAD compares: Non-Finnish European, 0.00025%; no homozygotes.

Submissions (3):

ClinGen Leber Congenital Amaurosis/early Onset Retinal Dystrophy Variant Curation Expert Panel, ClinGen
Classification: Uncertain significance for RPE65-related recessive retinopathy. Last evaluated: 2026-08-20. Review status: reviewed by expert panel. Criteria: ClinGen LCAeoRD ACMG Specifications RPE65 V1.0.0. Collection method: curation. Allele origin: germline. Inheritance: Autosomal recessive inheritance.
Comment: NM_000329.3(RPE65):c.257C>A is a predicted missense variant causing substitution of threonine with asparagine at position 86. This variant is present in gnomAD v.4.1.1 at a GrpMax allele frequency of 6.800e-7, with 3 alleles / 1180000 total alleles in the European (non-Finnish) population, which is lower than the ClinGen LCA / eoRD VCEP PM2_Supporting threshold of <0.0002 (PM2_Supporting). This variant has been reported in at least 1 affected proband who harbored the variant in the homozygous state due to consanguinity (parents first cousins, VCEP member-provided data). However, the proband was not counted for PM3 because sufficient phenotype details were unavailable. The computational predictor REVEL gives a score of 0.637, which is below the ClinGen LCA / eoRD VCEP threshold of ≥0.644 and does not predict a damaging effect on RPE65 function. Additionally, the splicing impact predictor SpliceAI gives a score of 0.06 for acceptor gain, which is below the ClinGen LCA / eoRD VCEP recommended threshold of ≥0.2 and does not strongly predict an impact on splicing. Another missense variant in the same codon, NM_000329.3(RPE65):c.257C>T (p.Thr86Ile), has been classified as a variant of uncertain significance for RPE65-related recessive retinopathy by the ClinGen LCA / eoRD VCEP, so PM5 is not met. In summary, this variant meets the criteria to be classified as a variant of uncertain significance for RPE65-related recessive retinopathy based on the ACMG/AMP criteria applied, as specified by the ClinGen LCA / eoRD VCEP: PM2_supporting. (LCA/eoRD VCEP specifications version 1.0.0).

Labcorp Genetics (formerly Invitae), Labcorp
Classification: Uncertain significance for Leber congenital amaurosis 2; Retinitis pigmentosa 20. Last evaluated: 2021-09-01. Review status: criteria provided, single submitter. Criteria: Invitae Variant Classification Sherloc (09022015). Collection method: clinical testing. Allele origin: germline. Not counted in ClinVar's aggregate classification.
Comment: This sequence change replaces threonine with asparagine at codon 86 of the RPE65 protein (p.Thr86Asn). The threonine residue is moderately conserved and there is a small physicochemical difference between threonine and asparagine. This variant is not present in population databases (ExAC no frequency). This variant has not been reported in the literature in individuals affected with RPE65-related conditions. Algorithms developed to predict the effect of missense changes on protein structure and function are either unavailable or do not agree on the potential impact of this missense change (SIFT: "Deleterious"; PolyPhen-2: "Possibly Damaging"; Align-GVGD: "Class C0"). In summary, the available evidence is currently insufficient to determine the role of this variant in disease. Therefore, it has been classified as a Variant of Uncertain Significance.

GeneDx
Classification: Uncertain significance. Last evaluated: 2019-04-23. Review status: criteria provided, single submitter. Criteria: GeneDx Variant Classification Process June 2021. Collection method: clinical testing. Allele origin: germline. Affected: yes. Not counted in ClinVar's aggregate classification.
Comment: Not observed in large population cohorts (Lek et al., 2016); In silico analysis, which includes protein predictors and evolutionary conservation, supports that this variant does not alter protein structure/function; Has not been previously published as pathogenic or benign to our knowledge